The following is an entry in ClinVar:

NM_006231.4(POLE):c.3459+9G>C

Gene: POLE (DNA polymerase epsilon, catalytic subunit; minus strand). Cytogenetic location: 12q24.33.
Variant type: single nucleotide variant.
Coding change: c.3459+9G>C on transcript NM_006231.4 (MANE Select); 9 bases into the intron after coding-DNA position 3459, G replaced by C.
Molecular consequence: intron variant.
Genome position (GRCh38, 1-based): chr12:132,657,340, C>G on the plus strand (G>C on the coding strand, the complement: POLE is on the minus strand). VCF-style: chr12-132657340-C-G. GRCh37 (hg19) VCF-style: chr12-133233926-C-G.
Other names: c.3459+9G>C (NM_006231.3).
Identifiers: ClinVar variation 1126937 (VCV001126937.10), dbSNP rs745555988, ClinGen allele CA6893228.

ClinVar aggregate classification (germline): Likely benign. Review status: criteria provided, single submitter (1 of 4 stars). 2 submissions from 2 submitters: Likely benign (1). 1 of the submissions does not count toward it. Last evaluated 2025-09-21.

Conditions:
POLE-related disorder. Also called: POLE-related disorders; POLE-related condition.

gnomAD v4.1: 7 of 1,614,064 alleles (0.00043%); highest among the groups gnomAD compares: South Asian, 0.0066%; no homozygotes.

Submissions (2):

Labcorp Genetics (formerly Invitae), Labcorp
Classification: Likely benign. Last evaluated: 2025-09-21. Review status: criteria provided, single submitter. Criteria: Invitae Variant Classification Sherloc (09022015). Collection method: clinical testing. Allele origin: germline.

PreventionGenetics, part of Exact Sciences
Classification: Likely benign for POLE-related condition. Last evaluated: 2024-08-07. Review status: no assertion criteria provided. Collection method: clinical testing. Allele origin: germline. Not counted in ClinVar's aggregate classification.
Comment: This variant is classified as likely benign based on ACMG/AMP sequence variant interpretation guidelines (Richards et al. 2015 PMID: 25741868, with internal and published modifications).